The following is an entry in ClinVar:

NM_080680.3(COL11A2):c.4799G>A (p.Arg1600Gln)

Gene: COL11A2 (collagen type XI alpha 2 chain; minus strand). Cytogenetic location: 6p21.32.
Variant type: single nucleotide variant.
Coding change: c.4799G>A on transcript NM_080680.3 (MANE Select); coding-DNA position 4799, G replaced by A.
Protein change: p.Arg1600Gln; replaces arginine 1600 with glutamine.
Molecular consequence: missense variant.
Genome position (GRCh38, 1-based): chr6:33,164,916, C>T on the plus strand (G>A on the coding strand, the complement: COL11A2 is on the minus strand). VCF-style: chr6-33164916-C-T. GRCh37 (hg19) VCF-style: chr6-33132693-C-T.
Other names: c.4478G>A, p.Arg1493Gln (NM_080679.3); c.4541G>A, p.Arg1514Gln (NM_080681.3); short protein forms R1600Q, R1514Q, R1493Q.
Identifiers: ClinVar variation 178604 (VCV000178604.22), dbSNP rs1799912, ClinGen allele CA182640.
Genomic context (GRCh38, chr6:33,164,916, plus strand): 5'-GTGACGTCATCCCTAGGCGTCACACAGGTCTCACCCCCTGCTGTGAAGTTGCAGAAAACT[C>T]GGAAGGCATCCCGAGCACAGCCCTGGTTGGGGTCGACCCAGTACTCTCCTGTTGGGTGAG-3'
Protein context (NP_542411.2, residues 1590-1610): PNQGCARDAF[Arg1600Gln]VFCNFTAGGE

ClinVar aggregate classification (germline): Benign/Likely benign. Review status: criteria provided, multiple submitters, no conflicts (2 of 4 stars). 8 submissions from 7 submitters: Benign (6); Likely benign (2). Last evaluated 2026-05-13.

Conditions:
Autosomal dominant nonsyndromic hearing loss 13. Identifiers: Orphanet 90635, MedGen C1866095, MONDO:0011159, OMIM 601868.
Otospondylomegaepiphyseal dysplasia, autosomal recessive (OSMEDB). Also called: Insley-Astley syndrome; CHONDRODYSTROPHY WITH SENSORINEURAL DEAFNESS. Identifiers: Orphanet 1427, MedGen CN034493, MONDO:0044206, OMIM 215150.
Otospondylomegaepiphyseal dysplasia, autosomal dominant (OSMEDA). Also called: Stickler syndrome, type 3; Pierre Robin syndrome with fetal chondrodysplasia; COL11A2-Related Stickler Syndrome. Identifiers: Orphanet 166100, Orphanet 3450, MedGen C1848488, MONDO:0008490, OMIM 184840.
Fibrochondrogenesis 2 (FBCG2). Identifiers: Orphanet 2021, MedGen C3281128, MONDO:0013795, OMIM 614524.
Autosomal recessive nonsyndromic hearing loss 53. Identifiers: Orphanet 90636, MedGen C1864746, MONDO:0012333, OMIM 609706.
Connective tissue disorder. Also called: Connective tissue disease. Identifiers: MedGen C0009782, MONDO:0003900.

Allele frequency attached by ClinVar (database versions not stated): 1000 Genomes Project 30x 0.00437; gnomAD 0.00052 and 0.00085; gnomAD exomes 0.00216; ESP Exome Variant Server 0.00008; TOPMed 0.00088; 1000 Genomes Project 0.00539; ExAC 0.00541.
gnomAD v4.1: 1,898 of 1,581,402 alleles (0.12%); highest among the groups gnomAD compares: East Asian, 3.3%; 44 homozygotes.

Submissions (8):

Women's Health and Genetics/Laboratory Corporation of America, LabCorp
Classification: Likely benign. Last evaluated: 2026-05-13. Review status: criteria provided, single submitter. Criteria: LabCorp Variant Classification Summary - May 2015. Collection method: clinical testing. Allele origin: germline.

Labcorp Genetics (formerly Invitae), Labcorp
Classification: Benign. Last evaluated: 2026-02-01. Review status: criteria provided, single submitter. Criteria: Invitae Variant Classification Sherloc (09022015). Collection method: clinical testing. Allele origin: germline.

Genome Diagnostics Laboratory, The Hospital for Sick Children
Classification: Likely benign for Connective tissue disorder. Last evaluated: 2022-02-24. Review status: criteria provided, single submitter. Criteria: ACMG Guidelines, 2015. Collection method: clinical testing. Allele origin: germline.

Fulgent Genetics
Classification: Benign for Otospondylomegaepiphyseal dysplasia, autosomal dominant; Otospondylomegaepiphyseal dysplasia, autosomal recessive; Autosomal dominant nonsyndromic hearing loss 13; Autosomal recessive nonsyndromic hearing loss 53; Fibrochondrogenesis 2. Last evaluated: 2021-08-23. Review status: criteria provided, single submitter. Criteria: ACMG Guidelines, 2015. Collection method: clinical testing. Allele origin: unknown.

Illumina Laboratory Services, Illumina
Classification: Benign for Fibrochondrogenesis 2. Last evaluated: 2018-01-12. Review status: criteria provided, single submitter. Criteria: ICSL Variant Classification Criteria 13 December 2019. Collection method: clinical testing. Allele origin: germline.
Comment: This variant was observed in the ICSL laboratory as part of a predisposition screen in an ostensibly healthy population. It had not been previously curated by ICSL or reported in the Human Gene Mutation Database (HGMD: prior to June 1st, 2018), and was therefore a candidate for classification through an automated scoring system. Utilizing variant allele frequency, disease prevalence and penetrance estimates, and inheritance mode, an automated score was calculated to assess if this variant is too frequent to cause the disease. Based on the score and internal cut-off values, a variant classified as benign is not then subjected to further curation. The score for this variant resulted in a classification of benign for this disease.

Illumina Laboratory Services, Illumina
Classification: Benign for Otospondylomegaepiphyseal dysplasia, autosomal recessive. Last evaluated: 2018-01-12. Review status: criteria provided, single submitter. Criteria: ICSL Variant Classification Criteria 13 December 2019. Collection method: clinical testing. Allele origin: germline.
Comment: the same text as in the submission from Illumina Laboratory Services, Illumina above.

GeneDx
Classification: Benign. Last evaluated: 2017-06-26. Review status: criteria provided, single submitter. Criteria: GeneDx Variant Classification (06012015). Collection method: clinical testing. Allele origin: germline. Affected: yes.
Comment: This variant is considered likely benign or benign based on one or more of the following criteria: it is a conservative change, it occurs at a poorly conserved position in the protein, it is predicted to be benign by multiple in silico algorithms, and/or has population frequency not consistent with disease.

Laboratory for Molecular Medicine, Mass General Brigham Personalized Medicine
Classification: Benign. Last evaluated: 2013-07-05. Review status: criteria provided, single submitter. Criteria: LMM Criteria. Collection method: clinical testing. Allele origin: germline. Observed: 4 variant alleles.
Comment: p.Arg1600Gln in exon 64 of COL11A2: This variant is not expected to have clinica l significance because it has been identified in 5.6% (10/178) of Japanese chrom osomes by the 1000 Genomes Project (dbSNP rs1799912).